The following is an entry in ClinVar:

ClinVar aggregate classification (germline): Uncertain significance (1 of 4 stars; one submission).

Submission:

Labcorp Genetics (formerly Invitae), Labcorp
Classification: Uncertain significance. Last evaluated: 2025-09-09. Review status: criteria provided, single submitter. Criteria: Invitae Variant Classification Sherloc (09022015). Collection method: clinical testing. Allele origin: germline.
Comment: This sequence change replaces glutamine, which is neutral and polar, with histidine, which is basic and polar, at codon 895 of the UBE3B protein (p.Gln895His). This variant is not present in population databases (gnomAD no frequency). This variant has not been reported in the literature in individuals affected with UBE3B-related conditions. Invitae Evidence Modeling of protein sequence and biophysical properties (such as structural, functional, and spatial information, amino acid conservation, physicochemical variation, residue mobility, and thermodynamic stability) indicates that this missense variant is expected to disrupt UBE3B protein function with a positive predictive value of 80%. In summary, the available evidence is currently insufficient to determine the role of this variant in disease. Therefore, it has been classified as a Variant of Uncertain Significance.

NM_130466.4(UBE3B):c.2685A>T (p.Gln895His)

Gene: UBE3B (ubiquitin protein ligase E3B; plus strand). Cytogenetic location: 12q24.11.
Variant type: single nucleotide variant.
Coding change: c.2685A>T on transcript NM_130466.4 (MANE Select); coding-DNA position 2685, A replaced by T.
Protein change: p.Gln895His; replaces glutamine 895 with histidine.
Molecular consequence: missense variant.
Genome position (GRCh38, 1-based): chr12:109,529,947, A>T. VCF-style: chr12-109529947-A-T. GRCh37 (hg19) VCF-style: chr12-109967752-A-T.
Other names: c.2685A>T, p.Gln895His (NM_183415.3); short protein forms Q895H.
Identifiers: ClinVar variation 4799424 (VCV004799424.1).